The following is an entry in ClinVar:

NM_000037.4(ANK1):c.7T>C (p.Tyr3His)

Gene: ANK1 (ankyrin 1; minus strand). Cytogenetic location: 8p11.21.
Variant type: single nucleotide variant.
Coding change: c.7T>C on transcript NM_000037.4 (MANE Select); coding-DNA position 7, T replaced by C.
Protein change: p.Tyr3His; replaces tyrosine 3 with histidine.
Molecular consequence: missense variant. On other transcripts: intron variant (1).
Genome position (GRCh38, 1-based): chr8:41,797,532, A>G on the plus strand (T>C on the coding strand, the complement: ANK1 is on the minus strand). VCF-style: chr8-41797532-A-G. GRCh37 (hg19) VCF-style: chr8-41655050-A-G.
Other names: c.7T>C, p.Tyr3His (NM_020475.3, NM_020476.3, NM_020477.3); c.127-39395T>C (NM_001142446.2); short protein forms Y3H.
Identifiers: ClinVar variation 2658573 (VCV002658573.24), dbSNP rs768116652, ClinGen allele CA4729135.

ClinVar aggregate classification (germline): Uncertain significance (1 of 4 stars; one submission).

Allele frequency attached by ClinVar (database versions not stated): gnomAD exomes 0.00004; TOPMed 0.00005; gnomAD 0.00006; ExAC 0.00007.
gnomAD v4.1: 68 of 1,613,634 alleles (0.0042%); highest among the groups gnomAD compares: Middle Eastern, 0.083%; no homozygotes.

Submission:

CeGaT Center for Human Genetics Tuebingen
Classification: Uncertain significance. Last evaluated: 2023-01-01. Review status: criteria provided, single submitter. Criteria: CeGaT Center For Human Genetics Tuebingen Variant Classification Criteria Version 2. Collection method: clinical testing. Allele origin: germline. Affected: yes. Observed: 1 variant allele.
Comment: ANK1: PM2, BP4